The following is an entry in ClinVar:

NM_001195263.2(PDZD7):c.1445G>A (p.Arg482Gln)

Gene: PDZD7 (PDZ domain containing 7; minus strand). Cytogenetic location: 10q24.31.
Variant type: single nucleotide variant.
Coding change: c.1445G>A on transcript NM_001195263.2 (MANE Select); coding-DNA position 1445, G replaced by A.
Protein change: p.Arg482Gln; replaces arginine 482 with glutamine.
Molecular consequence: missense variant. On other transcripts: synonymous variant (1).
Genome position (GRCh38, 1-based): chr10:101,018,176, C>T on the plus strand (G>A on the coding strand, the complement: PDZD7 is on the minus strand). VCF-style: chr10-101018176-C-T. GRCh37 (hg19) VCF-style: chr10-102777933-C-T.
Other names: c.1473G>A, p.Ala491= (NM_001351044.2); c.1445G>A, p.Arg482Gln (NM_024895.5); short protein forms R482Q.
Identifiers: ClinVar variation 967410 (VCV000967410.12), dbSNP rs757870735, ClinGen allele CA5654088.
Genomic context (GRCh38, chr10:101,018,176, plus strand): 5'-CGAGGGTAAGTTTTGGCCAGGCTCCCGCTGTCCAGTGTCCAGGCCTCTCTGCGCCCGTCC[C>T]GCGCTAGCCTCCCCTGCCGCCCTCCCTTGAAGAAGAGGTTCATCAGCGTCTTGGAGCGCT-3'
Protein context (NP_001182192.1, residues 472-492): FKGGRQGRLA[Arg482Gln]DGRREAWTLD

ClinVar aggregate classification (germline): Uncertain significance. Review status: criteria provided, multiple submitters, no conflicts (2 of 4 stars). 4 submissions from 4 submitters: Uncertain significance (4). Last evaluated 2026-03-02.

Allele frequency attached by ClinVar (database versions not stated): ExAC 0.00002; gnomAD exomes 0.00004; gnomAD 0.00005; TOPMed 0.00008.
gnomAD v4.1: 27 of 1,614,112 alleles (0.0017%); highest among the groups gnomAD compares: Admixed American, 0.042%; no homozygotes.

Submissions (4):

Women's Health and Genetics/Laboratory Corporation of America, LabCorp
Classification: Uncertain significance. Last evaluated: 2026-03-02. Review status: criteria provided, single submitter. Criteria: LabCorp Variant Classification Summary - May 2015. Collection method: clinical testing. Allele origin: germline.
Comment: Variant summary: PDZD7 c.1445G>A (p.Arg482Gln) results in a conservative amino acid change in the encoded protein sequence. Algorithms developed to predict the effect of missense changes on protein structure and function all suggest that this variant is likely to be tolerated. The variant allele was found at a frequency of 4e-05 in 251470 control chromosomes. This frequency is not significantly higher than estimated for disease-causing variants in PDZD7, allowing no conclusion about variant significance. To our knowledge, no occurrence of c.1445G>A in individuals affected with PDZD7-related conditions and no experimental evidence demonstrating its impact on protein function have been reported. ClinVar contains an entry for this variant (Variation ID: 967410). Based on the evidence outlined above, the variant was classified as uncertain significance.

GeneDx
Classification: Uncertain significance. Last evaluated: 2024-03-10. Review status: criteria provided, single submitter. Criteria: GeneDx Variant Classification Process June 2021. Collection method: clinical testing. Allele origin: germline. Affected: yes.
Comment: In silico analysis supports that this missense variant does not alter protein structure/function; Has not been previously published as pathogenic or benign to our knowledge; Observed in large population cohorts (gnomAD; internal data); This variant is associated with the following publications: (PMID: 20440071)

Labcorp Genetics (formerly Invitae), Labcorp
Classification: Uncertain significance. Last evaluated: 2024-02-24. Review status: criteria provided, single submitter. Criteria: Invitae Variant Classification Sherloc (09022015). Collection method: clinical testing. Allele origin: germline.
Comment: This sequence change replaces arginine, which is basic and polar, with glutamine, which is neutral and polar, at codon 482 of the PDZD7 protein (p.Arg482Gln). This variant is present in population databases (rs757870735, gnomAD 0.03%). This variant has not been reported in the literature in individuals affected with PDZD7-related conditions. ClinVar contains an entry for this variant (Variation ID: 967410). Advanced modeling of protein sequence and biophysical properties (such as structural, functional, and spatial information, amino acid conservation, physicochemical variation, residue mobility, and thermodynamic stability) performed at Invitae indicates that this missense variant is not expected to disrupt PDZD7 protein function with a negative predictive value of 80%. In summary, the available evidence is currently insufficient to determine the role of this variant in disease. Therefore, it has been classified as a Variant of Uncertain Significance.

Blueprint Genetics
Classification: Uncertain significance. Last evaluated: 2022-09-16. Review status: criteria provided, single submitter. Criteria: ACMG Guidelines, 2015. Collection method: clinical testing. Allele origin: germline.